The following is an entry in ClinVar:

ClinVar aggregate classification (germline): Uncertain significance. Review status: criteria provided, multiple submitters, no conflicts (2 of 4 stars). 2 submissions from 2 submitters: Uncertain significance (2). Last evaluated 2025-10-09.

Conditions:
Inborn genetic diseases. Identifiers: MedGen C0950123, MeSH D030342.

gnomAD v4.1: 2 of 1,539,612 alleles (0.00013%); highest among the groups gnomAD compares: Non-Finnish European, 0.00017%; no homozygotes.

Submissions (2):

Labcorp Genetics (formerly Invitae), Labcorp
Classification: Uncertain significance. Last evaluated: 2025-10-09. Review status: criteria provided, single submitter. Criteria: Invitae Variant Classification Sherloc (09022015). Collection method: clinical testing. Allele origin: germline.
Comment: This sequence change replaces serine, which is neutral and polar, with threonine, which is neutral and polar, at codon 1241 of the AUTS2 protein (p.Ser1241Thr). This variant is not present in population databases (gnomAD no frequency). This variant has not been reported in the literature in individuals affected with AUTS2-related conditions. ClinVar contains an entry for this variant (Variation ID: 3812525). Invitae Evidence Modeling of protein sequence and biophysical properties (such as structural, functional, and spatial information, amino acid conservation, physicochemical variation, residue mobility, and thermodynamic stability) indicates that this missense variant is not expected to disrupt AUTS2 protein function with a negative predictive value of 80%. In summary, the available evidence is currently insufficient to determine the role of this variant in disease. Therefore, it has been classified as a Variant of Uncertain Significance.

Ambry Genetics
Classification: Uncertain significance for Inborn genetic diseases. Last evaluated: 2025-01-27. Review status: criteria provided, single submitter. Criteria: Ambry Variant Classification Scheme 2023. Collection method: clinical testing. Allele origin: germline.

NM_015570.4(AUTS2):c.3721T>A (p.Ser1241Thr)

Gene: AUTS2 (activator of transcription and developmental regulator AUTS2; plus strand). Cytogenetic location: 7q11.22.
Variant type: single nucleotide variant.
Coding change: c.3721T>A on transcript NM_015570.4 (MANE Select); coding-DNA position 3721, T replaced by A.
Protein change: p.Ser1241Thr; replaces serine 1241 with threonine.
Molecular consequence: missense variant.
Genome position (GRCh38, 1-based): chr7:70,790,937, T>A. VCF-style: chr7-70790937-T-A. GRCh37 (hg19) VCF-style: chr7-70255923-T-A.
Other names: c.3649T>A, p.Ser1217Thr (NM_001127231.3); short protein forms S1241T, S1217T.
Identifiers: ClinVar variation 3812525 (VCV003812525.2).